The following is an entry in ClinVar:

ClinVar aggregate classification (germline): Benign (1 of 4 stars; one submission).

Conditions:
Pheochromocytoma. Also called: MAX-Related Hereditary Paraganglioma-Pheochromocytoma Syndrome. Identifiers: Orphanet 29072, MedGen C0031511, MONDO:0008233, OMIM 171300, HP:0002666.

Allele frequency attached by ClinVar (database versions not stated): gnomAD exomes 0.00059; 1000 Genomes Project 30x 0.00328; 1000 Genomes Project 0.00339; gnomAD 0.00348 and 0.00371; TOPMed 0.00408.

Submission:

Illumina Laboratory Services, Illumina
Classification: Benign for Pheochromocytoma. Last evaluated: 2018-01-13. Review status: criteria provided, single submitter. Criteria: ICSL Variant Classification Criteria 13 December 2019. Collection method: clinical testing. Allele origin: germline.
Comment: This variant was observed in the ICSL laboratory as part of a predisposition screen in an ostensibly healthy population. It had not been previously curated by ICSL or reported in the Human Gene Mutation Database (HGMD: prior to June 1st, 2018), and was therefore a candidate for classification through an automated scoring system. Utilizing variant allele frequency, disease prevalence and penetrance estimates, and inheritance mode, an automated score was calculated to assess if this variant is too frequent to cause the disease. Based on the score and internal cut-off values, a variant classified as benign is not then subjected to further curation. The score for this variant resulted in a classification of benign for this disease.

NM_017849.4(TMEM127):c.*1306C>T

Gene: TMEM127 (transmembrane protein 127; minus strand). Cytogenetic location: 2q11.2.
Variant type: single nucleotide variant.
Coding change: c.*1306C>T on transcript NM_017849.4 (MANE Select); 1306 bases downstream of the stop codon, C replaced by T.
Molecular consequence: 3 prime UTR variant.
Genome position (GRCh38, 1-based): chr2:96,252,502, G>A on the plus strand (C>T on the coding strand, the complement: TMEM127 is on the minus strand). VCF-style: chr2-96252502-G-A. GRCh37 (hg19) VCF-style: chr2-96918240-G-A.
Other names: c.*1306C>T (NM_001193304.3).
Identifiers: ClinVar variation 337483 (VCV000337483.5), dbSNP rs148119945, ClinGen allele CA10616364.